The following is an entry in ClinVar:

NM_138713.4(NFAT5):c.4040G>C (p.Ser1347Thr)

Gene: NFAT5 (nuclear factor of activated T cells 5; plus strand). Cytogenetic location: 16q22.1.
Variant type: single nucleotide variant.
Coding change: c.4040G>C on transcript NM_138713.4 (MANE Select); coding-DNA position 4040, G replaced by C.
Protein change: p.Ser1347Thr; replaces serine 1347 with threonine.
Molecular consequence: missense variant.
Genome position (GRCh38, 1-based): chr16:69,693,865, G>C. VCF-style: chr16-69693865-G-C. GRCh37 (hg19) VCF-style: chr16-69727768-G-C.
Other names: c.4037G>C, p.Ser1346Thr (NM_001113178.3); c.3365G>C, p.Ser1122Thr (NM_001367709.1); c.3986G>C, p.Ser1329Thr (NM_006599.4); c.3758G>C, p.Ser1253Thr (NM_138714.4, NM_173214.3, NM_173215.3); short protein forms S1329T, S1346T, S1122T, S1253T, S1347T.
Identifiers: ClinVar variation 843975 (VCV000843975.9), dbSNP rs748392099, ClinGen allele CA283374612.

ClinVar aggregate classification (germline): Uncertain significance (1 of 4 stars; one submission).

Conditions:
Immunodeficiency. Identifiers: MedGen C0021051, MONDO:0021094, HP:0002721.

Allele frequency attached by ClinVar (database versions not stated): TOPMed 0.00001.
gnomAD v4.1: 29 of 1,614,054 alleles (0.0018%); highest among the groups gnomAD compares: Non-Finnish European, 0.0021%; 1 homozygote.

Submission:

Labcorp Genetics (formerly Invitae), Labcorp
Classification: Uncertain significance for Immunodeficiency. Last evaluated: 2025-12-09. Review status: criteria provided, single submitter. Criteria: Invitae Variant Classification Sherloc (09022015). Collection method: clinical testing. Allele origin: germline.
Comment: This sequence change replaces serine, which is neutral and polar, with threonine, which is neutral and polar, at codon 1253 of the NFAT5 protein (p.Ser1253Thr). This variant is not present in population databases (gnomAD no frequency). This variant has not been reported in the literature in individuals affected with NFAT5-related conditions. ClinVar contains an entry for this variant (Variation ID: 843975). An algorithm developed to predict the effect of missense changes on protein structure and function (PolyPhen-2) suggests that this variant is likely to be tolerated. In summary, the available evidence is currently insufficient to determine the role of this variant in disease. Therefore, it has been classified as a Variant of Uncertain Significance.